The following is an entry in ClinVar:

NM_003482.4(KMT2D):c.5587C>T (p.Pro1863Ser)

Gene: KMT2D (lysine methyltransferase 2D; minus strand). Cytogenetic location: 12q13.12.
Variant type: single nucleotide variant.
Coding change: c.5587C>T on transcript NM_003482.4 (MANE Select); coding-DNA position 5587, C replaced by T.
Protein change: p.Pro1863Ser; replaces proline 1863 with serine.
Molecular consequence: missense variant.
Genome position (GRCh38, 1-based): chr12:49,043,133, G>A on the plus strand (C>T on the coding strand, the complement: KMT2D is on the minus strand). VCF-style: chr12-49043133-G-A. GRCh37 (hg19) VCF-style: chr12-49436916-G-A.
Other names: short protein forms P1863S.
Identifiers: ClinVar variation 1342823 (VCV001342823.10), dbSNP rs750400711, ClinGen allele CA6547491.

ClinVar aggregate classification (germline): Likely benign. Review status: criteria provided, multiple submitters, no conflicts (2 of 4 stars). 3 submissions from 3 submitters: Likely benign (3). Last evaluated 2026-06-25.

Conditions:
KMT2D-related disorder. Also called: KMT2D-Related Disorders.
Kabuki syndrome. Also called: NIIKAWA-KUROKI SYNDROME; Kabuki make-up syndrome. Identifiers: Orphanet 2322, MedGen C0796004, MONDO:0016512.

Allele frequency attached by ClinVar (database versions not stated): gnomAD 0.00001; gnomAD exomes 0.00004 and 0.00009; ExAC 0.00005; TOPMed 0.00005.

Submissions (3):

PreventionGenetics, part of Exact Sciences
Classification: Likely benign for KMT2D-related condition. Last evaluated: 2026-06-25. Review status: criteria provided, single submitter. Criteria: ACMG Guidelines, 2015. Collection method: clinical testing. Allele origin: germline.
Comment: This variant is classified as likely benign based on ACMG/AMP sequence variant interpretation guidelines (Richards et al. 2015 PMID: 25741868, with internal and published modifications).

Labcorp Genetics (formerly Invitae), Labcorp
Classification: Likely benign for Kabuki syndrome. Last evaluated: 2025-10-01. Review status: criteria provided, single submitter. Criteria: Invitae Variant Classification Sherloc (09022015). Collection method: clinical testing. Allele origin: germline.

GeneDx
Classification: Likely benign. Last evaluated: 2021-08-31. Review status: criteria provided, single submitter. Criteria: GeneDx Variant Classification Process June 2021. Collection method: clinical testing. Allele origin: germline. Affected: yes.